The following is an entry in ClinVar:

ClinVar aggregate classification (germline): Likely benign. Review status: criteria provided, multiple submitters, no conflicts (2 of 4 stars). 2 submissions from 2 submitters: Likely benign (2). Last evaluated 2025-07-28.

Conditions:
Hereditary breast ovarian cancer syndrome. Also called: Hereditary breast and ovarian cancer; Hereditary breast and ovarian cancer syndrome (HBOC); Breast and ovarian cancer; Hereditary breast and/or ovarian cancer syndrome; BRCA1- and BRCA2-Associated Hereditary Breast and Ovarian Cancer; Hereditary breast and ovarian cancer syndrome. Identifiers: Orphanet 145, MedGen C0677776, MeSH D061325, MONDO:0003582. Disease mechanism: loss of function.

Allele frequency attached by ClinVar (database versions not stated): gnomAD exomes below 0.00001.
gnomAD v4.1: 2 of 1,613,452 alleles (0.00012%); highest among the groups gnomAD compares: Non-Finnish European, 0.00017%; no homozygotes.

Submissions (3):

Quest Diagnostics Nichols Institute San Juan Capistrano
Classification: Likely benign. Last evaluated: 2025-07-28. Review status: criteria provided, single submitter. Criteria: Quest Diagnostics criteria. Collection method: clinical testing. Allele origin: unknown.

Labcorp Genetics (formerly Invitae), Labcorp
Classification: Likely benign for Hereditary breast ovarian cancer syndrome. Last evaluated: 2024-11-13. Review status: criteria provided, single submitter. Criteria: Invitae Variant Classification Sherloc (09022015). Collection method: clinical testing. Allele origin: germline.

Brotman Baty Institute, University of Washington
No classification provided (evidence only). Condition: Breast-ovarian cancer, familial 1. Review status: no classification provided. Collection method: in vitro. Allele origin: not applicable. Functional consequence: functionally_normal. Not counted in ClinVar's aggregate classification.
ClinVar note: "not provided" was previously submitted as the classification for the variant. However, the classification appeared to be based only on an observation of functional data so it was converted to no classification on 2025-07-30.

Literature cited by the submitters: PubMed 30209399 (cited by Quest Diagnostics Nichols Institute San Juan Capistrano).

NM_007294.4(BRCA1):c.5332+9C>T

Gene: BRCA1 (BRCA1 DNA repair associated; minus strand). Cytogenetic location: 17q21.31.
Variant type: single nucleotide variant.
Coding change: c.5332+9C>T on transcript NM_007294.4 (MANE Select); 9 bases into the intron after coding-DNA position 5332, C replaced by T.
Molecular consequence: intron variant.
Genome position (GRCh38, 1-based): chr17:43,051,054, G>A on the plus strand (C>T on the coding strand, the complement: BRCA1 is on the minus strand). VCF-style: chr17-43051054-G-A. GRCh37 (hg19) VCF-style: chr17-41203071-G-A.
Other names: c.5122+9C>T (NM_001407887.1, NM_001407889.1, NM_001407884.1 and 5 more transcripts); c.2014+9C>T (NM_001408408.1, NM_001408407.1, NM_001408406.1); c.5317+9C>T (NM_001407647.1); c.1894+9C>T (NM_001408446.1, NM_001408448.1, NM_001408445.1 and 2 more transcripts); c.1897+9C>T (NM_001408435.1, NM_001408444.1, NM_001408438.1 and 10 more transcripts); c.5200+9C>T (NM_001407691.1, NM_001407690.1); c.5203+9C>T (NM_001407685.1, NM_001407688.1, NM_001407682.1 and 6 more transcripts); c.5206+9C>T (NM_001407940.1, NM_001407671.1, NM_001407676.1 and 10 more transcripts); and 74 more.
Identifiers: ClinVar variation 868002 (VCV000868002.17), dbSNP rs2051192763, ClinGen allele CA916081012.